The following is an entry in ClinVar:

NM_004415.4(DSP):c.5887dup (p.Thr1963fs)

Gene: DSP (desmoplakin; plus strand). Cytogenetic location: 6p24.3.
Variant type: Duplication.
Coding change: c.5887dup on transcript NM_004415.4 (MANE Select); coding-DNA position 5887, one base duplicated (A; older notation c.5887dupA).
Protein change: p.Thr1963fs; shifts the reading frame from threonine 1963.
Molecular consequence: frameshift variant.
Genome position (GRCh38, 1-based): chr6:7,583,149, A duplicated. VCF-style (leftmost placement, unchanged base first): chr6-7583148-C-CA. GRCh37 (hg19) VCF-style: chr6-7583381-C-CA.
Other names: c.4090dup, p.Thr1364fs (NM_001008844.3); c.4558dup, p.Thr1520fs (NM_001319034.2); short protein forms T1364fs, T1520fs, T1963fs.
Identifiers: ClinVar variation 1458955 (VCV001458955.6), dbSNP rs2113699015, ClinGen allele CA2573140812.

ClinVar aggregate classification (germline): Pathogenic (1 of 4 stars; one submission).

Conditions:
Arrhythmogenic right ventricular dysplasia 8 (ARVD8). Also called: Arrhythmogenic Right Ventricular Dysplasia/Cardiomyopathy 8; ARRHYTHMOGENIC RIGHT VENTRICULAR DYSPLASIA, FAMILIAL, 8; ARRHYTHMOGENIC RIGHT VENTRICULAR CARDIOMYOPATHY 8. Identifiers: MedGen C1843896, MONDO:0011831, OMIM 607450.
Arrhythmogenic cardiomyopathy with wooly hair and keratoderma. Also called: Arrhythmogenic cardiomyopathy with woolly hair and keratoderma; PALMOPLANTAR KERATODERMA WITH LEFT VENTRICULAR CARDIOMYOPATHY AND WOOLLY HAIR; Carvajal syndrome; Dilated cardiomyopathy with woolly hair and keratoderma. Identifiers: Orphanet 65282, MedGen C1854063, MONDO:0011581, OMIM 605676.

Submission:

Labcorp Genetics (formerly Invitae), Labcorp
Classification: Pathogenic for Arrhythmogenic cardiomyopathy with wooly hair and keratoderma; Arrhythmogenic right ventricular dysplasia 8. Last evaluated: 2023-02-05. Review status: criteria provided, single submitter. Criteria: Invitae Variant Classification Sherloc (09022015). Collection method: clinical testing. Allele origin: germline.
Comment: For these reasons, this variant has been classified as Pathogenic. This variant disrupts a region of the DSP protein in which other variant(s) (p.Glu2728Glyfs*11) have been determined to be pathogenic (Invitae). This suggests that this is a clinically significant region of the protein, and that variants that disrupt it are likely to be disease-causing. ClinVar contains an entry for this variant (Variation ID: 1458955). This variant has not been reported in the literature in individuals affected with DSP-related conditions. This variant is not present in population databases (gnomAD no frequency). This sequence change creates a premature translational stop signal (p.Thr1963Asnfs*7) in the DSP gene. While this is not anticipated to result in nonsense mediated decay, it is expected to disrupt the last 909 amino acid(s) of the DSP protein.